The following is an entry in ClinVar:

ClinVar aggregate classification (germline): Uncertain significance (1 of 4 stars; one submission).

Conditions:
Sphingolipid activator protein 1 deficiency. Also called: METACHROMATIC LEUKODYSTROPHY DUE TO CEREBROSIDE SULFATASE ACTIVATOR DEFICIENCY; Metachromatic leukodystrophy due to saposin B deficiency; Saposin B Deficiency. Identifiers: Orphanet 512, MedGen C0268262, MONDO:0009590, OMIM 249900.

Submission:

Labcorp Genetics (formerly Invitae), Labcorp
Classification: Uncertain significance for Sphingolipid activator protein 1 deficiency. Last evaluated: 2023-01-24. Review status: criteria provided, single submitter. Criteria: Invitae Variant Classification Sherloc (09022015). Collection method: clinical testing. Allele origin: germline.
Comment: In summary, the available evidence is currently insufficient to determine the role of this variant in disease. Therefore, it has been classified as a Variant of Uncertain Significance. Advanced modeling of protein sequence and biophysical properties (such as structural, functional, and spatial information, amino acid conservation, physicochemical variation, residue mobility, and thermodynamic stability) performed at Invitae indicates that this missense variant is expected to disrupt PSAP protein function. This variant has not been reported in the literature in individuals affected with PSAP-related conditions. This variant is not present in population databases (gnomAD no frequency). This sequence change replaces isoleucine, which is neutral and non-polar, with phenylalanine, which is neutral and non-polar, at codon 159 of the PSAP protein (p.Ile159Phe).

NM_002778.4(PSAP):c.475A>T (p.Ile159Phe)

Gene: PSAP (prosaposin; minus strand). Cytogenetic location: 10q22.1.
Variant type: single nucleotide variant.
Coding change: c.475A>T on transcript NM_002778.4 (MANE Select); coding-DNA position 475, A replaced by T.
Protein change: p.Ile159Phe; replaces isoleucine 159 with phenylalanine.
Molecular consequence: missense variant.
Genome position (GRCh38, 1-based): chr10:71,828,978, T>A on the plus strand (A>T on the coding strand, the complement: PSAP is on the minus strand). VCF-style: chr10-71828978-T-A. GRCh37 (hg19) VCF-style: chr10-73588735-T-A.
Other names: c.475A>T, p.Ile159Phe (NM_001042465.3, NM_001042466.3); short protein forms I159F.
Identifiers: ClinVar variation 1925112 (VCV001925112.5), dbSNP rs2494526015, ClinGen allele CA377152277.